The following is an entry in ClinVar:

ClinVar aggregate classification (germline): Likely benign (0 of 4 stars; one submission).

Conditions:
PLXNA2-related disorder. Also called: PLXNA2-related condition.

Submission:

PreventionGenetics, part of Exact Sciences
Classification: Likely benign for PLXNA2-related condition. Last evaluated: 2024-05-02. Review status: no assertion criteria provided. Collection method: clinical testing. Allele origin: germline.
Comment: This variant is classified as likely benign based on ACMG/AMP sequence variant interpretation guidelines (Richards et al. 2015 PMID: 25741868, with internal and published modifications).

NM_025179.4(PLXNA2):c.2370C>A (p.Ile790=)

Gene: PLXNA2 (plexin A2; minus strand). Cytogenetic location: 1q32.2.
Variant type: single nucleotide variant.
Coding change: c.2370C>A on transcript NM_025179.4 (MANE Select); coding-DNA position 2370, C replaced by A.
Protein change: p.Ile790=; no amino-acid change (isoleucine 790 retained).
Molecular consequence: synonymous variant.
Genome position (GRCh38, 1-based): chr1:208,082,437, G>T on the plus strand (C>A on the coding strand, the complement: PLXNA2 is on the minus strand). VCF-style: chr1-208082437-G-T. GRCh37 (hg19) VCF-style: chr1-208255782-G-T.
Identifiers: ClinVar variation 3345928 (VCV003345928.1).